The following is an entry in ClinVar:

ClinVar aggregate classification (germline): Likely benign (0 of 4 stars; one submission).

Conditions:
CPLX1-related disorder. Also called: CPLX1-related condition.

Allele frequency attached by ClinVar (database versions not stated): ExAC 0.00033; 1000 Genomes Project 0.00040; 1000 Genomes Project 30x 0.00047; gnomAD 0.00065; TOPMed 0.00066.
gnomAD v4.1: 2,233 of 1,572,656 alleles (0.14%); highest among the groups gnomAD compares: Non-Finnish European, 0.18%; 2 homozygotes.

Submission:

PreventionGenetics, part of Exact Sciences
Classification: Likely benign for CPLX1-related condition. Last evaluated: 2022-09-19. Review status: no assertion criteria provided. Collection method: clinical testing. Allele origin: germline.
Comment: This variant is classified as likely benign based on ACMG/AMP sequence variant interpretation guidelines (Richards et al. 2015 PMID: 25741868, with internal and published modifications).

NM_006651.4(CPLX1):c.*1C>A

Gene: CPLX1 (complexin 1; minus strand). Cytogenetic location: 4p16.3.
Variant type: single nucleotide variant.
Coding change: c.*1C>A on transcript NM_006651.4 (MANE Select); 1 bases downstream of the stop codon, C replaced by A.
Molecular consequence: 3 prime UTR variant.
Genome position (GRCh38, 1-based): chr4:786,500, G>T on the plus strand (C>A on the coding strand, the complement: CPLX1 is on the minus strand). VCF-style: chr4-786500-G-T. GRCh37 (hg19) VCF-style: chr4-780288-G-T.
Identifiers: ClinVar variation 3051056 (VCV003051056.2), dbSNP rs573107948, ClinGen allele CA2796883.
Genomic context (GRCh38, chr4:786,500, plus strand): 5'-TCCGCGGAGGATCTGTAGGGGGAGGGGCGGGGGCTCCGCGGGGCCGCTGTCCCGCGCGCG[G>T]CTACTTCTTGAGCATGTCCTGCAGCGGCCCGGGCAGGTACTTGATGACGGTGTCCAGGAT-3'